The following is an entry in ClinVar:

NM_005614.4(RHEB):c.359A>G (p.Lys120Arg)

Gene: RHEB (Ras homolog, mTORC1 binding; minus strand). Cytogenetic location: 7q36.1.
Variant type: single nucleotide variant.
Coding change: c.359A>G on transcript NM_005614.4 (MANE Select); coding-DNA position 359, A replaced by G.
Protein change: p.Lys120Arg; replaces lysine 120 with arginine.
Molecular consequence: missense variant.
Genome position (GRCh38, 1-based): chr7:151,471,415, T>C on the plus strand (A>G on the coding strand, the complement: RHEB is on the minus strand). VCF-style: chr7-151471415-T-C. GRCh37 (hg19) VCF-style: chr7-151168501-T-C.
Other names: short protein forms K120R.
Identifiers: ClinVar variation 3375771 (VCV003375771.1).
Genomic context (GRCh38, chr7:151,471,415, plus strand): 5'-CTAAATCATCTTAGATTTGACTTTATAAAAGCTACATACCTTTCCATATGCAGGTCTTTC[T>C]TATTCCCAACCAACATAATAGGTATTCTATTTGTAAGAAAAAAAAGACAAACCAGTAAGT-3'
Protein context (NP_005605.1, residues 110-130): VQIPIMLVGN[Lys120Arg]KDLHMERVIS

ClinVar aggregate classification (germline): Uncertain significance (1 of 4 stars; one submission).

Submission:

GeneDx
Classification: Uncertain significance. Last evaluated: 2024-05-11. Review status: criteria provided, single submitter. Criteria: GeneDx Variant Classification Process June 2021. Collection method: clinical testing. Allele origin: germline. Affected: yes.
Comment: Not observed in large population cohorts (gnomAD); In silico analysis supports that this missense variant has a deleterious effect on protein structure/function; Has not been previously published as pathogenic or benign to our knowledge